The following is an entry in ClinVar:

ClinVar aggregate classification (germline): Uncertain significance (1 of 4 stars; one submission).

Conditions:
Deficiency of adenosine deaminase 2. Also called: Polyarteritis nodosa, childhoood-onset; Adenosine Deaminase 2 Deficiency; VASCULITIS, AUTOINFLAMMATION, IMMUNODEFICIENCY, AND HEMATOLOGIC DEFECTS SYNDROME. Identifiers: Orphanet 404553, MedGen C3887654, MONDO:0014306, OMIM 615688, MONDO:0100317.

Allele frequency attached by ClinVar (database versions not stated): ExAC 0.00001; gnomAD 0.00001; 1000 Genomes Project 0.00020; 1000 Genomes Project 30x 0.00031.
gnomAD v4.1: 3 of 1,614,214 alleles (0.00019%); highest among the groups gnomAD compares: East Asian, 0.0045%; no homozygotes.

Submission:

Labcorp Genetics (formerly Invitae), Labcorp
Classification: Uncertain significance for Deficiency of adenosine deaminase 2. Last evaluated: 2022-03-04. Review status: criteria provided, single submitter. Criteria: Invitae Variant Classification Sherloc (09022015). Collection method: clinical testing. Allele origin: germline.
Comment: This sequence change replaces alanine, which is neutral and non-polar, with valine, which is neutral and non-polar, at codon 149 of the ADA2 protein (p.Ala149Val). This variant is present in population databases (rs201701549, gnomAD 0.01%). This variant has not been reported in the literature in individuals affected with ADA2-related conditions. Algorithms developed to predict the effect of missense changes on protein structure and function are either unavailable or do not agree on the potential impact of this missense change (SIFT: "Deleterious"; PolyPhen-2: "Benign"; Align-GVGD: "Class C0"). In summary, the available evidence is currently insufficient to determine the role of this variant in disease. Therefore, it has been classified as a Variant of Uncertain Significance.

NM_001282225.2(ADA2):c.446C>T (p.Ala149Val)

Gene: ADA2 (adenosine deaminase 2; minus strand). Cytogenetic location: 22q11.1.
Variant type: single nucleotide variant.
Coding change: c.446C>T on transcript NM_001282225.2 (MANE Select); coding-DNA position 446, C replaced by T.
Protein change: p.Ala149Val; replaces alanine 149 with valine.
Molecular consequence: missense variant.
Genome position (GRCh38, 1-based): chr22:17,207,167, G>A on the plus strand (C>T on the coding strand, the complement: ADA2 is on the minus strand). VCF-style: chr22-17207167-G-A. GRCh37 (hg19) VCF-style: chr22-17688057-G-A.
Other names: c.446C>T, p.Ala149Val (NM_001282226.2); c.320C>T, p.Ala107Val (NM_001282227.2, NM_001282228.2); c.86C>T, p.Ala29Val (NM_001282229.2); short protein forms A29V, A107V, A149V.
Identifiers: ClinVar variation 2181509 (VCV002181509.1), dbSNP rs201701549, ClinGen allele CA10088229.